The following is an entry in ClinVar:

NM_004859.4(CLTC):c.2293-4T>C

Gene: CLTC (clathrin heavy chain; plus strand). Cytogenetic location: 17q23.1.
Variant type: single nucleotide variant.
Coding change: c.2293-4T>C on transcript NM_004859.4 (MANE Select); 4 bases into the intron before coding-DNA position 2293, T replaced by C.
Molecular consequence: intron variant.
Genome position (GRCh38, 1-based): chr17:59,673,643, T>C. VCF-style: chr17-59673643-T-C. GRCh37 (hg19) VCF-style: chr17-57751004-T-C.
Other names: c.2305-4T>C (NM_001288653.2).
Identifiers: ClinVar variation 3615946 (VCV003615946.4).

ClinVar aggregate classification (germline): Conflicting classifications of pathogenicity. Review status: criteria provided, conflicting classifications (1 of 4 stars). 2 submissions from 2 submitters: Uncertain significance (1); Likely benign (1). Last evaluated 2025-07-20.

Submissions (2):

Dasa
Classification: Uncertain significance. Last evaluated: 2025-07-20. Review status: criteria provided, single submitter. Criteria: DASA Assertion Criteria. Collection method: clinical testing. Allele origin: germline.
Comment: NM_004859.4(CLTC):c.2293-4T>C is a splice-region variant. This variant is absent from population databases. Computational prediction algorithms are consistent with a benign effect. The currently available literature and clinical evidence are not sufficient to establish a definitive association between this variant and the reported condition. Therefore, this variant is classified as a variant of uncertain significance.

Labcorp Genetics (formerly Invitae), Labcorp
Classification: Likely benign. Last evaluated: 2025-02-10. Review status: criteria provided, single submitter. Criteria: Invitae Variant Classification Sherloc (09022015). Collection method: clinical testing. Allele origin: germline.